The following is an entry in ClinVar:

ClinVar aggregate classification (germline): Benign/Likely benign. Review status: criteria provided, multiple submitters, no conflicts (2 of 4 stars). 2 submissions from 2 submitters: Benign (1); Likely benign (1). Last evaluated 2025-12-01.

Allele frequency attached by ClinVar (database versions not stated): TOPMed 0.00005; gnomAD 0.00034; 1000 Genomes Project 30x 0.00219; 1000 Genomes Project 0.00240; ExAC 0.00375.
gnomAD v4.1: 869 of 1,556,100 alleles (0.056%); highest among the groups gnomAD compares: South Asian, 0.97%; 12 homozygotes.

Submissions (2):

Labcorp Genetics (formerly Invitae), Labcorp
Classification: Benign. Last evaluated: 2025-12-01. Review status: criteria provided, single submitter. Criteria: Invitae Variant Classification Sherloc (09022015). Collection method: clinical testing. Allele origin: germline.

CeGaT Center for Human Genetics Tuebingen
Classification: Likely benign. Last evaluated: 2025-07-01. Review status: criteria provided, single submitter. Criteria: CeGaT Center For Human Genetics Tuebingen Variant Classification Criteria Version 2. Collection method: clinical testing. Allele origin: germline. Affected: yes. Observed: 3 variant alleles.
Comment: NDUFB10: BP4, BS2

NM_004548.3(NDUFB10):c.424G>A (p.Ala142Thr)

Gene: NDUFB10 (NADH:ubiquinone oxidoreductase subunit B10; plus strand). Cytogenetic location: 16p13.3.
Variant type: single nucleotide variant.
Coding change: c.424G>A on transcript NM_004548.3 (MANE Select); coding-DNA position 424, G replaced by A.
Protein change: p.Ala142Thr; replaces alanine 142 with threonine.
Molecular consequence: missense variant.
Genome position (GRCh38, 1-based): chr16:1,961,811, G>A. VCF-style: chr16-1961811-G-A. GRCh37 (hg19) VCF-style: chr16-2011812-G-A.
Other names: short protein forms A142T.
Identifiers: ClinVar variation 2176776 (VCV002176776.28), dbSNP rs567165467, ClinGen allele CA7823401.